The following is an entry in ClinVar:

ClinVar aggregate classification (germline): Likely pathogenic. Review status: criteria provided, multiple submitters, no conflicts (2 of 4 stars). 2 submissions from 2 submitters: Likely pathogenic (2). Last evaluated 2025-09-17.

Allele frequency attached by ClinVar (database versions not stated): gnomAD exomes below 0.00001; gnomAD 0.00001; TOPMed 0.00001.
gnomAD v4.1: 2 of 1,609,766 alleles (0.00012%); highest among the groups gnomAD compares: Admixed American, 0.0034%; no homozygotes.

Submissions (2):

Labcorp Genetics (formerly Invitae), Labcorp
Classification: Likely pathogenic. Last evaluated: 2025-09-17. Review status: criteria provided, single submitter. Criteria: Invitae Variant Classification Sherloc (09022015). Collection method: clinical testing. Allele origin: germline.
Comment: This sequence change affects a donor splice site in intron 65 of the SZT2 gene. It is expected to disrupt RNA splicing. Variants that disrupt the donor or acceptor splice site typically lead to a loss of protein function (PMID: 16199547), and loss-of-function variants in SZT2 are known to be pathogenic (PMID: 23932106, 27248490, 28556953). This variant is not present in population databases (gnomAD no frequency). This variant has not been reported in the literature in individuals affected with SZT2-related conditions. ClinVar contains an entry for this variant (Variation ID: 1067383). Algorithms developed to predict the effect of sequence changes on RNA splicing suggest that this variant may disrupt the consensus splice site. In summary, the currently available evidence indicates that the variant is pathogenic, but additional data are needed to prove that conclusively. Therefore, this variant has been classified as Likely Pathogenic.

GeneDx
Classification: Likely pathogenic. Last evaluated: 2024-09-05. Review status: criteria provided, single submitter. Criteria: GeneDx Variant Classification Process June 2021. Collection method: clinical testing. Allele origin: germline. Affected: yes.
Comment: Canonical splice site variant predicted to result in a null allele in a gene for which loss of function is a known mechanism of disease; Not observed at significant frequency in large population cohorts (gnomAD); Has not been previously published as pathogenic or benign to our knowledge

Literature cited by the submitters: PubMed 16199547 (cited by Labcorp Genetics (formerly Invitae), Labcorp); PubMed 23932106 (cited by Labcorp Genetics (formerly Invitae), Labcorp); PubMed 27248490 (cited by Labcorp Genetics (formerly Invitae), Labcorp); PubMed 28556953 (cited by Labcorp Genetics (formerly Invitae), Labcorp).

NM_001365999.1(SZT2):c.9286+1G>A

Gene: SZT2 (SZT2 subunit of KICSTOR complex; plus strand). Cytogenetic location: 1p34.2.
Variant type: single nucleotide variant.
Coding change: c.9286+1G>A on transcript NM_001365999.1 (MANE Select); the canonical splice donor site of the intron after coding-DNA position 9286, G replaced by A.
Molecular consequence: splice donor variant.
Genome position (GRCh38, 1-based): chr1:43,447,169, G>A. VCF-style: chr1-43447169-G-A. GRCh37 (hg19) VCF-style: chr1-43912840-G-A.
Other names: c.9115+1G>A (NM_015284.4).
Identifiers: ClinVar variation 1067383 (VCV001067383.4), dbSNP rs1655775567, ClinGen allele CA340042664.
Genomic context (GRCh38, chr1:43,447,169, plus strand): 5'-GACACTTCCTGGCCCACCACCCTGACGGACCCCACTTTGGCCGCAATCACATTTACCAAG[G>A]TCAGTGCCCAAGGGCAAGCCAGTGAACCCAAAAAAGAACAGGCCACAGGTGCCTCCAGGT-3'